The following is an entry in ClinVar:

NM_024753.5(TTC21B):c.103A>G (p.Ser35Gly)

Gene: TTC21B (tetratricopeptide repeat domain 21B; minus strand). Cytogenetic location: 2q24.3.
Variant type: single nucleotide variant.
Coding change: c.103A>G on transcript NM_024753.5 (MANE Select); coding-DNA position 103, A replaced by G.
Protein change: p.Ser35Gly; replaces serine 35 with glycine.
Molecular consequence: missense variant.
Genome position (GRCh38, 1-based): chr2:165,949,643, T>C on the plus strand (A>G on the coding strand, the complement: TTC21B is on the minus strand). VCF-style: chr2-165949643-T-C. GRCh37 (hg19) VCF-style: chr2-166806153-T-C.
Other names: short protein forms S35G.
Identifiers: ClinVar variation 4986570 (VCV004986570.1).
Genomic context (GRCh38, chr2:165,949,643, plus strand): 5'-ATTAACACGTACCTTCCATTAATGTGCCATAGGCATGATAAAACCTGAAGACTGGATCAC[T>C]TCCATACCTCTTAATTCCTTCACTGGCAACCAGTAATACATGATGGAAATATCTCTCTTG-3'
Protein context (NP_079029.3, residues 25-45): VASEGIKRYG[Ser35Gly]DPVFRFYHAY

ClinVar aggregate classification (germline): Uncertain significance (1 of 4 stars; one submission).

Conditions:
TTC21B-related disorder. Also called: TTC21B-related condition; TTC21B-related disorders.

Submission:

PreventionGenetics, part of Exact Sciences
Classification: Uncertain significance for TTC21B-related condition. Last evaluated: 2025-08-28. Review status: criteria provided, single submitter. Criteria: ACMG Guidelines, 2015. Collection method: clinical testing. Allele origin: germline.
Comment: The TTC21B c.103A>G variant is predicted to result in the amino acid substitution p.Ser35Gly. To our knowledge, this variant has not been reported in the literature or in a large population database (gnomAD), indicating this variant is rare. At this time, the clinical significance of this variant is uncertain due to the absence of conclusive functional and genetic evidence.